The following is an entry in ClinVar:

NM_015910.7(WDPCP):c.1796C>T (p.Ala599Val)

Gene: WDPCP (WD repeat containing planar cell polarity effector; minus strand). Cytogenetic location: 2p15.
Variant type: single nucleotide variant.
Coding change: c.1796C>T on transcript NM_015910.7 (MANE Select); coding-DNA position 1796, C replaced by T.
Protein change: p.Ala599Val; replaces alanine 599 with valine.
Molecular consequence: missense variant. On other transcripts: non-coding transcript variant (3).
Genome position (GRCh38, 1-based): chr2:63,313,264, G>A on the plus strand (C>T on the coding strand, the complement: WDPCP is on the minus strand). VCF-style: chr2-63313264-G-A. GRCh37 (hg19) VCF-style: chr2-63540399-G-A.
Other names: c.1796C>T (NM_015910.5); c.1319C>T, p.Ala440Val (NM_001042692.3); c.1724C>T, p.Ala575Val (NM_001354044.2); short protein forms A440V, A599V, A575V.
Identifiers: ClinVar variation 2138198 (VCV002138198.5), dbSNP rs1265346351, ClinGen allele CA347063944.

ClinVar aggregate classification (germline): Uncertain significance. Review status: criteria provided, multiple submitters, no conflicts (2 of 4 stars). 2 submissions from 2 submitters: Uncertain significance (2). Last evaluated 2025-11-03.

Conditions:
Bardet-Biedl syndrome (BBS). Identifiers: Orphanet 110, MedGen C0752166, MONDO:0015229.
Inborn genetic diseases. Identifiers: MedGen C0950123, MeSH D030342.

Allele frequency attached by ClinVar (database versions not stated): gnomAD exomes below 0.00001; TOPMed below 0.00001.
gnomAD v4.1: 1 of 1,613,646 alleles (0.000062%); highest among the groups gnomAD compares: Admixed American, 0.0017%; no homozygotes.

Submissions (2):

Ambry Genetics
Classification: Uncertain significance for Inborn genetic diseases. Last evaluated: 2025-11-03. Review status: criteria provided, single submitter. Criteria: Ambry Variant Classification Scheme 2023. Collection method: clinical testing. Allele origin: germline.

Labcorp Genetics (formerly Invitae), Labcorp
Classification: Uncertain significance for Bardet-Biedl syndrome. Last evaluated: 2023-11-20. Review status: criteria provided, single submitter. Criteria: Invitae Variant Classification Sherloc (09022015). Collection method: clinical testing. Allele origin: germline.
Comment: This sequence change replaces alanine, which is neutral and non-polar, with valine, which is neutral and non-polar, at codon 599 of the WDPCP protein (p.Ala599Val). This variant is present in population databases (no rsID available, gnomAD 0.003%). This variant has not been reported in the literature in individuals affected with WDPCP-related conditions. ClinVar contains an entry for this variant (Variation ID: 2138198). Advanced modeling of protein sequence and biophysical properties (such as structural, functional, and spatial information, amino acid conservation, physicochemical variation, residue mobility, and thermodynamic stability) performed at Invitae indicates that this missense variant is expected to disrupt WDPCP protein function with a positive predictive value of 80%. In summary, the available evidence is currently insufficient to determine the role of this variant in disease. Therefore, it has been classified as a Variant of Uncertain Significance.